The following is an entry in ClinVar:

ClinVar aggregate classification (germline): Pathogenic. Review status: criteria provided, multiple submitters, no conflicts (2 of 4 stars). 2 submissions from 2 submitters: Pathogenic (2). Last evaluated 2025-02-07.

Conditions:
Stickler syndrome. Identifiers: Orphanet 828, MedGen C0265253, MONDO:0019354.

Submissions (2):

Cambridge Genomics Laboratory, East Genomic Laboratory Hub, NHS Genomic Medicine Service
Classification: Pathogenic for Stickler syndrome. Last evaluated: 2025-02-07. Review status: criteria provided, single submitter. Criteria: ACGS Best Practice Guidelines for Variant Classification in Rare Disease 2020. Collection method: clinical testing. Allele origin: germline. Affected: yes.
Comment: PVS1,PS4_Moderate,PM2

Labcorp Genetics (formerly Invitae), Labcorp
Classification: Pathogenic. Last evaluated: 2022-02-09. Review status: criteria provided, single submitter. Criteria: Invitae Variant Classification Sherloc (09022015). Collection method: clinical testing. Allele origin: germline.
Comment: This sequence change creates a premature translational stop signal (p.Gly993Ilefs*10) in the COL2A1 gene. It is expected to result in an absent or disrupted protein product. Loss-of-function variants in COL2A1 are known to be pathogenic (PMID: 20179744). This variant is not present in population databases (gnomAD no frequency). This premature translational stop signal has been observed in individual(s) with clinical features of Stickler syndrome (PMID: 20513134, 32369273). For these reasons, this variant has been classified as Pathogenic.

Literature cited by the submitters: PubMed 20179744 (cited by Labcorp Genetics (formerly Invitae), Labcorp); PubMed 20513134 (cited by Labcorp Genetics (formerly Invitae), Labcorp); PubMed 32369273 (cited by Labcorp Genetics (formerly Invitae), Labcorp).

NM_001844.5(COL2A1):c.2976_2977del (p.Gly993fs)

Gene: COL2A1 (collagen type II alpha 1 chain; minus strand). Cytogenetic location: 12q13.11.
Variant type: Microsatellite.
Coding change: c.2976_2977del on transcript NM_001844.5 (MANE Select); coding-DNA positions 2976 to 2977, 2 bases deleted (AG; older notation c.2976_2977delAG).
Protein change: p.Gly993fs; shifts the reading frame from glycine 993.
Molecular consequence: frameshift variant.
Genome position (GRCh38, 1-based): chr12:47,978,317-47,978,318, CT deleted on the plus strand (AG on the coding strand, the reverse complement: COL2A1 is on the minus strand); deleting any 2 consecutive bases within chr12:47,978,317-47,978,323 gives the same sequence; the c. name uses the placement nearest the transcript's 3' end. VCF-style (leftmost placement, unchanged base first): chr12-47978316-CCT-C. GRCh37 (hg19) VCF-style: chr12-48372099-CCT-C.
Other names: c.2769_2770del, p.Gly924fs (NM_033150.3); short protein forms G993fs, G924fs.
Identifiers: ClinVar variation 2137329 (VCV002137329.5), dbSNP rs2540111730, ClinGen allele CA2580615171.